The following is an entry in ClinVar:

ClinVar aggregate classification (germline): Uncertain significance. Review status: criteria provided, multiple submitters, no conflicts (2 of 4 stars). 2 submissions from 2 submitters: Uncertain significance (2). Last evaluated 2025-07-28.

Conditions:
Emery-Dreifuss muscular dystrophy 5, autosomal dominant (EDMD5). Also called: EMERY-DREIFUSS MUSCULAR DYSTROPHY 5. Identifiers: Orphanet 261, MedGen C2751805, MONDO:0013072, OMIM 612999.

Allele frequency attached by ClinVar (database versions not stated): gnomAD 0.00002 and 0.00003; TOPMed 0.00004.
gnomAD v4.1: 50 of 1,614,038 alleles (0.0031%); highest among the groups gnomAD compares: Middle Eastern, 0.033%; 1 homozygote.

Submissions (2):

Labcorp Genetics (formerly Invitae), Labcorp
Classification: Uncertain significance for Emery-Dreifuss muscular dystrophy 5, autosomal dominant. Last evaluated: 2025-07-28. Review status: criteria provided, single submitter. Criteria: Invitae Variant Classification Sherloc (09022015). Collection method: clinical testing. Allele origin: germline.
Comment: This sequence change replaces aspartic acid, which is acidic and polar, with asparagine, which is neutral and polar, at codon 6055 of the SYNE2 protein (p.Asp6055Asn). This variant is present in population databases (rs543875232, gnomAD 0.02%). This variant has not been reported in the literature in individuals affected with SYNE2-related conditions. ClinVar contains an entry for this variant (Variation ID: 193770). An algorithm developed to predict the effect of missense changes on protein structure and function outputs the following: PolyPhen-2: "Benign". The asparagine amino acid residue is found in multiple mammalian species, which suggests that this missense change does not adversely affect protein function. In summary, the available evidence is currently insufficient to determine the role of this variant in disease. Therefore, it has been classified as a Variant of Uncertain Significance.

Eurofins Ntd Llc (ga)
Classification: Uncertain significance. Last evaluated: 2015-02-27. Review status: criteria provided, single submitter. Criteria: EGL Classification Definitions 2015. Collection method: clinical testing. Allele origin: germline. Observed: 1 variant allele, 1 heterozygote.

NM_182914.3(SYNE2):c.18163G>A (p.Asp6055Asn)

Gene: SYNE2 (spectrin repeat containing nuclear envelope protein 2; plus strand). Cytogenetic location: 14q23.2.
Variant type: single nucleotide variant.
Coding change: c.18163G>A on transcript NM_182914.3 (MANE Select); coding-DNA position 18163, G replaced by A.
Protein change: p.Asp6055Asn; replaces aspartic acid 6055 with asparagine.
Molecular consequence: missense variant.
Genome position (GRCh38, 1-based): chr14:64,202,925, G>A. VCF-style: chr14-64202925-G-A. GRCh37 (hg19) VCF-style: chr14-64669643-G-A.
Other names: c.18163G>A, p.Asp6055Asn (NM_015180.6); short protein forms D6055N.
Identifiers: ClinVar variation 193770 (VCV000193770.9), dbSNP rs543875232, ClinGen allele CA239408.